The following is an entry in ClinVar:

NM_004064.5(CDKN1B):c.143A>G (p.His48Arg)

Gene: CDKN1B (cyclin dependent kinase inhibitor 1B; plus strand). Cytogenetic location: 12p13.1.
Variant type: single nucleotide variant.
Coding change: c.143A>G on transcript NM_004064.5 (MANE Select); coding-DNA position 143, A replaced by G.
Protein change: p.His48Arg; replaces histidine 48 with arginine.
Molecular consequence: missense variant.
Genome position (GRCh38, 1-based): chr12:12,717,982, A>G. VCF-style: chr12-12717982-A-G. GRCh37 (hg19) VCF-style: chr12-12870916-A-G.
Other names: short protein forms H48R.
Identifiers: ClinVar variation 658567 (VCV000658567.12), dbSNP rs1555085517, ClinGen allele CA383968935.
Genomic context (GRCh38, chr12:12,717,982, plus strand): 5'-CCTGCAGGAACCTCTTCGGCCCGGTGGACCACGAAGAGTTAACCCGGGACTTGGAGAAGC[A>G]CTGCAGAGACATGGAAGAGGCGAGCCAGCGCAAGTGGAATTTCGATTTTCAGAATCACAA-3'
Protein context (NP_004055.1, residues 38-58): HEELTRDLEK[His48Arg]CRDMEEASQR

ClinVar aggregate classification (germline): Uncertain significance. Review status: criteria provided, multiple submitters, no conflicts (2 of 4 stars). 3 submissions from 3 submitters: Uncertain significance (3). Last evaluated 2025-10-02.

Conditions:
Hereditary cancer-predisposing syndrome. Also called: Neoplastic Syndromes, Hereditary; Hereditary neoplastic syndrome; Hereditary Cancer Syndrome; Tumor predisposition. Identifiers: Orphanet 140162, MedGen C0027672, MeSH D009386, MONDO:0015356.
Multiple endocrine neoplasia type 4. Also called: MULTIPLE ENDOCRINE NEOPLASIA, TYPE IV. Identifiers: Orphanet 276152, MedGen C1970712, MONDO:0012552, OMIM 610755.

Allele frequency attached by ClinVar (database versions not stated): TOPMed below 0.00001; gnomAD 0.00001; gnomAD exomes 0.00001.
gnomAD v4.1: 4 of 1,614,062 alleles (0.00025%); highest among the groups gnomAD compares: Non-Finnish European, 0.00034%; no homozygotes.

Submissions (3):

Ambry Genetics
Classification: Uncertain significance for Hereditary cancer-predisposing syndrome. Last evaluated: 2025-10-02. Review status: criteria provided, single submitter. Criteria: Ambry Variant Classification Scheme 2023. Collection method: clinical testing. Allele origin: germline.
Comment: The p.H48R variant (also known as c.143A>G), located in coding exon 1 of the CDKN1B gene, results from an A to G substitution at nucleotide position 143. The histidine at codon 48 is replaced by arginine, an amino acid with highly similar properties. This amino acid position is well conserved in available vertebrate species. In addition, the in silico prediction for this alteration is inconclusive. Since supporting evidence is limited at this time, the clinical significance of this alteration remains unclear.

Labcorp Genetics (formerly Invitae), Labcorp
Classification: Uncertain significance for Multiple endocrine neoplasia type 4. Last evaluated: 2025-02-02. Review status: criteria provided, single submitter. Criteria: Invitae Variant Classification Sherloc (09022015). Collection method: clinical testing. Allele origin: germline.
Comment: This sequence change replaces histidine, which is basic and polar, with arginine, which is basic and polar, at codon 48 of the CDKN1B protein (p.His48Arg). This variant is not present in population databases (gnomAD no frequency). This variant has not been reported in the literature in individuals affected with CDKN1B-related conditions. ClinVar contains an entry for this variant (Variation ID: 658567). An algorithm developed to predict the effect of missense changes on protein structure and function (PolyPhen-2) suggests that this variant is likely to be disruptive. In summary, the available evidence is currently insufficient to determine the role of this variant in disease. Therefore, it has been classified as a Variant of Uncertain Significance.

Baylor Genetics
Classification: Uncertain significance for Multiple endocrine neoplasia type 4. Last evaluated: 2024-01-22. Review status: criteria provided, single submitter. Criteria: ACMG Guidelines, 2015. Collection method: clinical testing. Allele origin: unknown.